The following is an entry in ClinVar:

ClinVar aggregate classification (germline): Uncertain significance (1 of 4 stars; one submission).

Allele frequency attached by ClinVar (database versions not stated): TOPMed below 0.00001.

Submission:

GeneDx
Classification: Uncertain significance. Last evaluated: 2017-08-30. Review status: criteria provided, single submitter. Criteria: GeneDx Variant Classification (06012015). Collection method: clinical testing. Allele origin: germline. Affected: yes.
Comment: The L659R variant in the SKI gene has not been reported previously as a pathogenic variant, nor as a benign variant, to our knowledge. The L659R variant is not observed in large population cohorts (Lek et al., 2016; 1000 Genomes Consortium et al., 2015; Exome Variant Server). The L659R variant is a non-conservative amino acid substitution, which is likely to impact secondary protein structure as these residues differ in polarity, charge, size and/or other properties. This substitution occurs at a position that is conserved across species. However, in silico analysis is inconsistent in its predictions as to whether or not the variant is damaging to the protein structure/function. We interpret L659R as a variant of uncertain significance.

NM_003036.4(SKI):c.1976T>G (p.Leu659Arg)

Gene: SKI (SKI proto-oncogene; plus strand). Cytogenetic location: 1p36.32.
Variant type: single nucleotide variant.
Coding change: c.1976T>G on transcript NM_003036.4 (MANE Select); coding-DNA position 1976, T replaced by G.
Protein change: p.Leu659Arg; replaces leucine 659 with arginine.
Molecular consequence: missense variant.
Genome position (GRCh38, 1-based): chr1:2,306,228, T>G. VCF-style: chr1-2306228-T-G. GRCh37 (hg19) VCF-style: chr1-2237667-T-G.
Other names: short protein forms L659R.
Identifiers: ClinVar variation 449665 (VCV000449665.2), dbSNP rs1421285699, ClinGen allele CA337959335.